The following is an entry in ClinVar:

NM_004186.5(SEMA3F):c.1195C>T (p.Pro399Ser)

Gene: SEMA3F (semaphorin 3F; plus strand). Cytogenetic location: 3p21.31.
Variant type: single nucleotide variant.
Coding change: c.1195C>T on transcript NM_004186.5 (MANE Select); coding-DNA position 1195, C replaced by T.
Protein change: p.Pro399Ser; replaces proline 399 with serine.
Molecular consequence: missense variant.
Genome position (GRCh38, 1-based): chr3:50,183,526, C>T. VCF-style: chr3-50183526-C-T. GRCh37 (hg19) VCF-style: chr3-50220959-C-T.
Other names: c.898C>T, p.Pro300Ser (NM_001318798.2); c.1102C>T, p.Pro368Ser (NM_001318800.2); short protein forms P300S, P368S, P399S.
Identifiers: ClinVar variation 3349975 (VCV003349975.1).

ClinVar aggregate classification (germline): Uncertain significance (0 of 4 stars; one submission).

Conditions:
SEMA3F-related disorder. Also called: SEMA3F-related condition.

Submission:

PreventionGenetics, part of Exact Sciences
Classification: Uncertain significance for SEMA3F-related condition. Last evaluated: 2024-03-20. Review status: no assertion criteria provided. Collection method: clinical testing. Allele origin: germline.
Comment: The SEMA3F c.1195C>T variant is predicted to result in the amino acid substitution p.Pro399Ser. To our knowledge, this variant has not been reported in the literature. This variant is reported in 0.00088% of alleles in individuals of European (Non-Finnish) descent in gnomAD. At this time, the clinical significance of this variant is uncertain due to the absence of conclusive functional and genetic evidence.